The following is an entry in ClinVar:

NM_001164508.2(NEB):c.6505A>T (p.Lys2169Ter)

Gene: NEB (nebulin; minus strand). Cytogenetic location: 2q23.3.
Variant type: single nucleotide variant.
Coding change: c.6505A>T on transcript NM_001164508.2 (MANE Select); coding-DNA position 6505, A replaced by T.
Protein change: p.Lys2169Ter; replaces lysine 2169 with a stop codon.
Molecular consequence: nonsense.
Genome position (GRCh38, 1-based): chr2:151,656,014, T>A on the plus strand (A>T on the coding strand, the complement: NEB is on the minus strand). VCF-style: chr2-151656014-T-A. GRCh37 (hg19) VCF-style: chr2-152512528-T-A.
Other names: c.6505A>T, p.Lys2169Ter (NM_001164507.2, NM_001271208.2, NM_004543.5); short protein forms K2169*.
Identifiers: ClinVar variation 1725782 (VCV001725782.2), dbSNP rs752328965, ClinGen allele CA348798173.

ClinVar aggregate classification (germline): Likely pathogenic (1 of 4 stars; one submission).

Conditions:
Nemaline myopathy 2 (NEM2). Also called: Nemaline myopathy 2, autosomal recessive. Identifiers: MedGen C1850569, MONDO:0009725, OMIM 256030.

Submission:

Myriad Genetics, Inc.
Classification: Likely pathogenic for Nemaline myopathy 2. Last evaluated: 2022-04-01. Review status: criteria provided, single submitter. Criteria: Myriad Women's Health Autosomal Recessive and X-Linked Classification Criteria (2021). Collection method: clinical testing. Allele origin: unknown.
Comment: NM_001271208.1(NEB):c.6505A>T(K2169*) is expected to be pathogenic in the context of NEB-related nemaline myopathy. This variant is predicted to lead to an abnormal or absent protein product due to the creation of a premature termination codon in NEB, a gene where loss-of-function variants are known to be pathogenic. Please note: this variant was assessed in the context of healthy population screening.